The following is an entry in ClinVar:

ClinVar aggregate classification (germline): Pathogenic/Likely pathogenic. Review status: criteria provided, multiple submitters, no conflicts (2 of 4 stars). 2 submissions from 2 submitters: Pathogenic (1); Likely pathogenic (1). Last evaluated 2017-07-05.

Conditions:
Maturity-onset diabetes of the young (MODY). Also called: Maturity onset diabetes mellitus in young. Identifiers: Orphanet 552, MedGen C0342276, MONDO:0018911, HP:0004904.
Maturity-onset diabetes of the young type 3. Also called: MODY type 3; MODY, type III. Identifiers: Orphanet 552, MedGen C1838100, MeSH C563933, MONDO:0010894, OMIM 600496. Disease mechanism: loss of function.

Submissions (2):

Human Genome Sequencing Center Clinical Lab, Baylor College of Medicine
Classification: Pathogenic for Maturity-onset diabetes of the young type 3. Last evaluated: 2017-07-05. Review status: criteria provided, single submitter. Criteria: ACMG Guidelines, 2015. Collection method: clinical testing. Allele origin: germline.
Comment: The c.864_897del (p.Pro290Leufs*41) variant in the HNF1A gene has not been reported in public databases, nor has been observed in our patient cohort. This 34 bp deletion in exon 4 results in a frameshift and the creation of a premature stop codon at amino acid position 330, and is expected to result in a loss of function of the protein. This variant is thus classified as pathogenic.

Clinical Genomics, Uppaluri K&H Personalized Medicine Clinic
Classification: Likely pathogenic for Maturity-onset diabetes of the young. Review status: criteria provided, single submitter. Criteria: K & H Uppaluri Personalized Medicine Clinic Variant Classification & Assertion Criteria_Updated V.1. Collection method: research. Allele origin: unknown. Inheritance: Autosomal dominant inheritance.
Comment: Mutations in HNF1A gene can predispose to MODY3. It is associated with both micro and macrovascular complications of diabetes, especially cardiovascular complications. Associated with glucosuria. May respond well to sulfonylureas. However, more evidence is required to confer the association of this particular variant rs1565885935 with MODY3.

Literature cited by the submitters: PubMed 31517624 (cited by Clinical Genomics, Uppaluri K&H Personalized Medicine Clinic); PubMed 35328643 (cited by Clinical Genomics, Uppaluri K&H Personalized Medicine Clinic); PubMed 32395877 (cited by Clinical Genomics, Uppaluri K&H Personalized Medicine Clinic); PubMed 35673428 (cited by Clinical Genomics, Uppaluri K&H Personalized Medicine Clinic).

NM_000545.8(HNF1A):c.864_897del (p.Pro290fs)

Gene: HNF1A (HNF1 homeobox A; plus strand). Cytogenetic location: 12q24.31.
Variant type: Deletion.
Coding change: c.864_897del on transcript NM_000545.8 (MANE Select); coding-DNA positions 864 to 897, 34 bases deleted.
Protein change: p.Pro290fs; shifts the reading frame from proline 290.
Molecular consequence: frameshift variant.
Genome position (GRCh38, 1-based): chr12:120,994,314-120,994,347, 34 bases deleted; deleting any 34 consecutive bases within chr12:120,994,313-120,994,347 gives the same sequence; the c. name uses the placement nearest the transcript's 3' end. GRCh37 (hg19): chr12:121,432,117-121,432,150.
Other names: c.864_897del, p.Pro290fs (NM_001306179.2); short protein forms P290fs.
Identifiers: ClinVar variation 585219 (VCV000585219.2), dbSNP rs1565885935, ClinGen allele CA891843852.